The following is an entry in ClinVar:

NM_005732.4(RAD50):c.1263del (p.Glu422fs)

Gene: RAD50 (RAD50 double strand break repair protein; plus strand). Cytogenetic location: 5q31.1.
Variant type: Deletion.
Coding change: c.1263del on transcript NM_005732.4 (MANE Select); coding-DNA position 1263, one base deleted (A; older notation c.1263delA).
Protein change: p.Glu422fs; shifts the reading frame from glutamic acid 422.
Molecular consequence: frameshift variant.
Genome position (GRCh38, 1-based): chr5:132,589,648, A deleted; the last of 5 consecutive A bases (chr5:132,589,644-132,589,648); deleting any one gives the same sequence. VCF-style (leftmost placement, unchanged base first): chr5-132589643-GA-G. GRCh37 (hg19) VCF-style: chr5-131925335-GA-G.
Other names: c.1263delA (NM_005732.3); short protein forms E422fs.
Identifiers: ClinVar variation 962481 (VCV000962481.11), dbSNP rs1178573189, ClinGen allele CA563057470.

ClinVar aggregate classification (germline): Pathogenic/Likely pathogenic. Review status: criteria provided, multiple submitters, no conflicts (2 of 4 stars). 3 submissions from 3 submitters: Pathogenic (2); Likely pathogenic (1). Last evaluated 2025-05-12.

Conditions:
Hereditary cancer-predisposing syndrome. Also called: Tumor predisposition; Hereditary neoplastic syndrome; Hereditary Cancer Syndrome; Neoplastic Syndromes, Hereditary. Identifiers: Orphanet 140162, MedGen C0027672, MeSH D009386, MONDO:0015356.

Submissions (3):

Labcorp Genetics (formerly Invitae), Labcorp
Classification: Pathogenic for Hereditary cancer-predisposing syndrome. Last evaluated: 2025-05-12. Review status: criteria provided, single submitter. Criteria: Invitae Variant Classification Sherloc (09022015). Collection method: clinical testing. Allele origin: germline.
Comment: This sequence change creates a premature translational stop signal (p.Glu422Argfs*3) in the RAD50 gene. It is expected to result in an absent or disrupted protein product. Loss-of-function variants in RAD50 are known to be pathogenic (PMID: 19409520). The frequency data for this variant in the population databases is considered unreliable, as metrics indicate poor data quality at this position in the gnomAD database. This variant has not been reported in the literature in individuals affected with RAD50-related conditions. ClinVar contains an entry for this variant (Variation ID: 962481). For these reasons, this variant has been classified as Pathogenic.

Quest Diagnostics Nichols Institute San Juan Capistrano
Classification: Likely pathogenic. Last evaluated: 2024-11-06. Review status: criteria provided, single submitter. Criteria: Quest Diagnostics criteria. Collection method: clinical testing. Allele origin: unknown.
Comment: The RAD50 c.1263del (p.Glu422Argfs*3) variant alters the translational reading frame of the RAD50 mRNA and is predicted to cause the premature termination of RAD50 protein synthesis. This variant has not been reported in individuals with RAD50-related conditions in the published literature. The frequency of this variant in the general population, 0.0000042 (1/237560 chromosomes (Genome Aggregation Database)), is consistent with pathogenicity. Based on the available information, this variant is classified as likely pathogenic.

Ambry Genetics
Classification: Pathogenic for Hereditary cancer-predisposing syndrome. Last evaluated: 2020-07-29. Review status: criteria provided, single submitter. Criteria: Ambry Variant Classification Scheme 2023. Collection method: clinical testing. Allele origin: germline.
Comment: The c.1263delA pathogenic mutation, located in coding exon 9 of the RAD50 gene, results from a deletion of one nucleotide at nucleotide position 1263, causing a translational frameshift with a predicted alternate stop codon (p.E422Rfs*3). This alteration is expected to result in loss of function by premature protein truncation or nonsense-mediated mRNA decay. As such, this alteration is interpreted as a disease-causing mutation.

Literature cited by the submitters: PubMed 19409520 (cited by Labcorp Genetics (formerly Invitae), Labcorp).